The following is an entry in ClinVar:

ClinVar aggregate classification (somatic clinical impact): Tier I - Strong (1 of 4 stars; one submission).

Conditions:
Medulloblastoma WNT activated. Identifiers: MedGen C4331965, MONDO:0850196.

Submission:

Institute for Genomic Medicine (IGM) Clinical Laboratory, Nationwide Children's Hospital
Classification: Tier I - Strong for Medulloblastoma WNT activated. Assertion type: diagnostic. Clinical significance: supports diagnosis. Last evaluated: 2024-09-11. Review status: criteria provided, single submitter. Criteria: AMP/ASCO/CAP Guidelines, 2017. Collection method: clinical testing. Allele origin: somatic. Affected: yes.
Comment: Variant has Tier I (strong) clinical significance as a diagnostic inclusion criterion in medulloblastoma WNT activated, based on the following evidence: 1) Appears in one or more well-established professional guidelines (e.g., World Health Organization [WHO]; National Comprehensive Cancer Network [NCCN]) as providing diagnostic, prognostic, or therapeutic information. 2) Information in the literature supports potential biologic effect of variant (PMIDs: 38057330, 25724843). 3) Diagnostic for a specific tumor type/classification based on well-powered studies with expert-level consensus (Evidence Level B; PMIDs: 22832583, 22722829, 28726821, 22820256).

Literature cited by the submitters: PubMed 38057330; PubMed 25724843; PubMed 22832583; PubMed 22722829; PubMed 28726821; PubMed 22820256.

NM_001356.5(DDX3X):c.905G>A (p.Gly302Asp)

Gene: DDX3X (DEAD-box helicase 3 X-linked; plus strand). Cytogenetic location: Xp11.4.
Variant type: single nucleotide variant.
Coding change: c.905G>A on transcript NM_001356.5 (MANE Select); coding-DNA position 905, G replaced by A.
Protein change: p.Gly302Asp; replaces glycine 302 with aspartic acid.
Molecular consequence: missense variant. On other transcripts: non-coding transcript variant (1).
Genome position (GRCh38, 1-based): chrX:41,344,279, G>A. VCF-style: chrX-41344279-G-A. GRCh37 (hg19) VCF-style: chrX-41203532-G-A.
Other names: c.905G>A, p.Gly302Asp (NM_001193416.3); c.857G>A, p.Gly286Asp (NM_001193417.3); c.347G>A, p.Gly116Asp (NM_001363819.1); short protein forms G116D, G286D, G302D.
Identifiers: ClinVar variation 4530078 (VCV004530078.1).